The following is an entry in ClinVar:

NM_001160372.4(TRAPPC9):c.2557-70923A>G

Genes: PEG13 (paternally expressed 13; minus strand), TRAPPC9 (trafficking protein particle complex subunit 9; minus strand). Cytogenetic location: 8q24.3.
Variant type: single nucleotide variant.
Coding change: c.2557-70923A>G on transcript NM_001160372.4 (MANE Select); 70923 bases into the intron before coding-DNA position 2557, A replaced by G.
Molecular consequence: intron variant. On other transcripts: non-coding transcript variant (1).
Genome position (GRCh38, 1-based): chr8:140,095,002, T>C on the plus strand (A>G on the coding strand, the complement: TRAPPC9 is on the minus strand). VCF-style: chr8-140095002-T-C. GRCh37 (hg19) VCF-style: chr8-141105101-T-C.
Other names: c.2557-70923A>G (NM_031466.8, NM_001374683.1); c.2530-70923A>G (NM_001321646.2); c.2413-70923A>G (NM_001374684.1); c.2578-70923A>G (NM_001374682.1).
Identifiers: ClinVar variation 2571321 (VCV002571321.27), dbSNP rs148665159, ClinGen allele CA187245863.
Genomic context (GRCh38, chr8:140,095,002, plus strand): 5'-AAATATGGCTGTTGATTACCAGAGTCCATCCATAAATGTTTTATTGAAATAGTAAATGCA[T>C]AACCCAAGTCTGATTAGAATTGGATTTCCAGAAGCCCAATCCAGTGGTCACTCTACAATA-3'

ClinVar aggregate classification (germline): Benign (1 of 4 stars; one submission).

Allele frequency attached by ClinVar (database versions not stated): 1000 Genomes Project 30x 0.00312; 1000 Genomes Project 0.00319; gnomAD 0.00828.

Submission:

CeGaT Center for Human Genetics Tuebingen
Classification: Benign. Last evaluated: 2024-11-01. Review status: criteria provided, single submitter. Criteria: CeGaT Center For Human Genetics Tuebingen Variant Classification Criteria Version 2. Collection method: clinical testing. Allele origin: germline. Affected: yes. Observed: 36 variant alleles.
Comment: TRAPPC9: BS1, BS2